The following is an entry in ClinVar:

ClinVar aggregate classification (germline): Uncertain significance (1 of 4 stars; one submission).

Submission:

Ambry Genetics
Classification: Uncertain significance. Last evaluated: 2025-08-29. Review status: criteria provided, single submitter. Criteria: Ambry Variant Classification Scheme 2023. Collection method: clinical testing. Allele origin: germline.
Comment: The p.E588A variant (also known as c.1763A>C), located in coding exon 12 of the RINT1 gene, results from an A to C substitution at nucleotide position 1763. The glutamic acid at codon 588 is replaced by alanine, an amino acid with dissimilar properties. This amino acid position is conserved. In addition, the in silico prediction for this alteration is inconclusive. Based on the available evidence, the clinical significance of this variant remains unclear.

NM_021930.6(RINT1):c.1763A>C (p.Glu588Ala)

Gene: RINT1 (RAD50 interactor 1; plus strand). Cytogenetic location: 7q22.3.
Variant type: single nucleotide variant.
Coding change: c.1763A>C on transcript NM_021930.6 (MANE Select); coding-DNA position 1763, A replaced by C.
Protein change: p.Glu588Ala; replaces glutamic acid 588 with alanine.
Molecular consequence: missense variant. On other transcripts: non-coding transcript variant (1).
Genome position (GRCh38, 1-based): chr7:105,563,824, A>C. VCF-style: chr7-105563824-A-C. GRCh37 (hg19) VCF-style: chr7-105204271-A-C.
Other names: c.1529A>C, p.Glu510Ala (NM_001346599.2); c.740A>C, p.Glu247Ala (NM_001346600.2, NM_001346603.2); c.839A>C, p.Glu280Ala (NM_001346601.2); short protein forms E247A, E280A, E510A, E588A.
Identifiers: ClinVar variation 4154629 (VCV004154629.1).